The following is an entry in ClinVar:

ClinVar aggregate classification (germline): Uncertain significance (1 of 4 stars; one submission).

Submission:

Labcorp Genetics (formerly Invitae), Labcorp
Classification: Uncertain significance. Last evaluated: 2019-11-06. Review status: criteria provided, single submitter. Criteria: Invitae Variant Classification Sherloc (09022015). Collection method: clinical testing. Allele origin: germline.
Comment: This variant results in a copy number gain of the genomic region encompassing exons 2-10 of the TRPM1 gene, which includes the initiator codon. The 5' end of this event is unknown as it extends beyond the assayed region for this gene and therefore may encompass additional genes. The 3' boundary is likely confined to intron 10 of the TRPM1 gene. As the precise location of this event is unknown, it may be in tandem or it may be located elsewhere in the genome. This variant has not been reported in the literature in individuals with TRPM1-related conditions. In summary, the available evidence is currently insufficient to determine the role of this variant in disease. Therefore, it has been classified as a Variant of Uncertain Significance.

NC_000015.10:g.(?_31060544)_(31081355_?)dup

Genes: MIR211 (microRNA 211; minus strand), TRPM1 (transient receptor potential cation channel subfamily M member 1; minus strand). Cytogenetic location: 15q13.3.
Variant type: Duplication.
Identifiers: ClinVar variation 830928 (VCV000830928.1).